The following is an entry in ClinVar:

NM_001166108.2(PALLD):c.1965-12701GCC[4]

Gene: PALLD (palladin, cytoskeletal associated protein; plus strand). Cytogenetic location: 4q32.3.
Variant type: Microsatellite.
Coding change: c.1965-12701GCC[4] on transcript NM_001166108.2 (MANE Select); four copies in a row of the 3-base unit GCC starting at c.1965-12701; the reference has three copies in a row; one copy, 3 bases duplicated.
Molecular consequence: intron variant. On other transcripts: inframe insertion (1).
Genome position (GRCh38, 1-based): chr4:168,878,227-168,878,229, GCC duplicated; duplicating any 3 consecutive bases within chr4:168,878,221-168,878,229 gives the same sequence; the position shown is the placement nearest the transcript's 3' end. VCF-style (leftmost placement, unchanged base first): chr4-168878220-T-TGCC. GRCh37 (hg19) VCF-style: chr4-169799371-T-TGCC.
Other names: c.336_338dupGCC (NM_001166110.1); c.330GCC[4], p.Pro116dup (NM_001166110.2); c.1965-12701GCC[4] (NM_016081.4); c.819-12701GCC[4] (NM_001166109.2); c.-157-12701GCC[4] (NM_001367570.1, NM_001367568.1, NM_001367567.1 and 1 more transcripts).
Identifiers: ClinVar variation 1169427 (VCV001169427.10), dbSNP rs748729107, ClinGen allele CA556167329.

ClinVar aggregate classification (germline): Conflicting classifications of pathogenicity. Review status: criteria provided, conflicting classifications (1 of 4 stars). 2 submissions from 2 submitters: Uncertain significance (1); Benign (1). Last evaluated 2025-03-18.

Conditions:
Pancreatic adenocarcinoma. Identifiers: MedGen C0281361, MONDO:0006047, HP:0006725.

Submissions (2):

Ambry Genetics
Classification: Uncertain significance. Last evaluated: 2025-03-18. Review status: criteria provided, single submitter. Criteria: Ambry Variant Classification Scheme 2023. Collection method: clinical testing. Allele origin: germline.
Comment: The c.336_338dupGCC variant (also known as p.P116dup), located in coding exon 1 of the PALLD gene, results from an in-frame duplication of GCC at nucleotide positions 336 to 338. This results in the duplication of an extra proline residue between codons 116 and 117. This amino acid position is well conserved in available vertebrate species. In addition, this alteration is predicted to be neutral by in silico analysis (Choi Y et al. PLoS ONE. 2012; 7(10):e46688). The evidence for this gene-disease relationship is limited; therefore, the clinical significance of this alteration is unclear.

Labcorp Genetics (formerly Invitae), Labcorp
Classification: Benign for Pancreatic adenocarcinoma. Last evaluated: 2025-01-17. Review status: criteria provided, single submitter. Criteria: Invitae Variant Classification Sherloc (09022015). Collection method: clinical testing. Allele origin: germline.